The following is an entry in ClinVar:

ClinVar aggregate classification (germline): Uncertain significance (0 of 4 stars; one submission).

Conditions:
IFT172-related disorder. Also called: IFT172-related disorders; IFT172-related condition.

Submission:

PreventionGenetics, part of Exact Sciences
Classification: Uncertain significance for IFT172-related condition. Last evaluated: 2023-12-04. Review status: no assertion criteria provided. Collection method: clinical testing. Allele origin: germline.
Comment: The IFT172 c.3608T>C variant is predicted to result in the amino acid substitution p.Leu1203Pro. To our knowledge, this variant has not been reported in the literature or in a large population database, indicating this variant is rare. At this time, the clinical significance of this variant is uncertain due to the absence of conclusive functional and genetic evidence.

NM_015662.3(IFT172):c.3608T>C (p.Leu1203Pro)

Genes: IFT172 (intraflagellar transport 172; minus strand), LOC126806173 (BRD4-independent group 4 enhancer GRCh37_chr2:27676057-27677256; plus strand). Cytogenetic location: 2p23.3.
Variant type: single nucleotide variant.
Coding change: c.3608T>C on transcript NM_015662.3 (MANE Select); coding-DNA position 3608, T replaced by C.
Protein change: p.Leu1203Pro; replaces leucine 1203 with proline.
Molecular consequence: missense variant.
Genome position (GRCh38, 1-based): chr2:27,454,085, A>G on the plus strand (T>C on the coding strand, the complement: IFT172 is on the minus strand). VCF-style: chr2-27454085-A-G. GRCh37 (hg19) VCF-style: chr2-27676952-A-G.
Other names: c.3542T>C, p.Leu1181Pro (NM_001410739.1); short protein forms L1181P, L1203P.
Identifiers: ClinVar variation 3349508 (VCV003349508.1).
Genomic context (GRCh38, chr2:27,454,085, plus strand): 5'-AGCAGCCCTTCTGCTTTCTGAAAGTCCTTCTCCTCCAAGGCCCCCCGGGCCTGTCCCACA[A>G]GCACCTCGGCGACACTGTCAGGGTCGTGAGCCTCAGCCACACGCTGAGCTGCCTCCCAAT-3'
Protein context (NP_056477.1, residues 1193-1213): AHDPDSVAEV[Leu1203Pro]VGQARGALEE